The following is an entry in ClinVar:

NM_001164508.2(NEB):c.6935A>G (p.Tyr2312Cys)

Gene: NEB (nebulin; minus strand). Cytogenetic location: 2q23.3.
Variant type: single nucleotide variant.
Coding change: c.6935A>G on transcript NM_001164508.2 (MANE Select); coding-DNA position 6935, A replaced by G.
Protein change: p.Tyr2312Cys; replaces tyrosine 2312 with cysteine.
Molecular consequence: missense variant.
Genome position (GRCh38, 1-based): chr2:151,650,866, T>C on the plus strand (A>G on the coding strand, the complement: NEB is on the minus strand). VCF-style: chr2-151650866-T-C. GRCh37 (hg19) VCF-style: chr2-152507380-T-C.
Other names: c.6935A>G, p.Tyr2312Cys (NM_001164507.2, NM_001271208.2, NM_004543.5); short protein forms Y2312C.
Identifiers: ClinVar variation 2149469 (VCV002149469.4), dbSNP rs764583699, ClinGen allele CA1909951.

ClinVar aggregate classification (germline): Uncertain significance (1 of 4 stars; one submission).

Conditions:
Nemaline myopathy 2 (NEM2). Also called: Nemaline myopathy 2, autosomal recessive. Identifiers: MedGen C1850569, MONDO:0009725, OMIM 256030.

Allele frequency attached by ClinVar (database versions not stated): gnomAD exomes below 0.00001; ExAC 0.00001.
gnomAD v4.1: 2 of 1,612,538 alleles (0.00012%); highest among the groups gnomAD compares: Non-Finnish European, 0.00017%; no homozygotes.

Submission:

Labcorp Genetics (formerly Invitae), Labcorp
Classification: Uncertain significance for Nemaline myopathy 2. Last evaluated: 2022-07-25. Review status: criteria provided, single submitter. Criteria: Invitae Variant Classification Sherloc (09022015). Collection method: clinical testing. Allele origin: germline.
Comment: This variant has not been reported in the literature in individuals affected with NEB-related conditions. This variant is present in population databases (rs764583699, gnomAD 0.0009%). This sequence change replaces tyrosine, which is neutral and polar, with cysteine, which is neutral and slightly polar, at codon 2312 of the NEB protein (p.Tyr2312Cys). In summary, the available evidence is currently insufficient to determine the role of this variant in disease. Therefore, it has been classified as a Variant of Uncertain Significance. Algorithms developed to predict the effect of missense changes on protein structure and function are either unavailable or do not agree on the potential impact of this missense change (SIFT: "Deleterious"; PolyPhen-2: "Not Available"; Align-GVGD: "Class C0").